The following is an entry in ClinVar:

ClinVar aggregate classification (germline): Uncertain significance (1 of 4 stars; one submission).

Conditions:
Hereditary cancer-predisposing syndrome. Also called: Tumor predisposition; Hereditary neoplastic syndrome; Hereditary Cancer Syndrome; Neoplastic Syndromes, Hereditary. Identifiers: Orphanet 140162, MedGen C0027672, MeSH D009386, MONDO:0015356.

Submission:

Ambry Genetics
Classification: Uncertain significance for Hereditary cancer-predisposing syndrome. Last evaluated: 2023-11-14. Review status: criteria provided, single submitter. Criteria: Ambry Variant Classification Scheme 2023. Collection method: clinical testing. Allele origin: germline.
Comment: The p.I532N variant (also known as c.1595T>A), located in coding exon 11 of the BMPR1A gene, results from a T to A substitution at nucleotide position 1595. The isoleucine at codon 532 is replaced by asparagine, an amino acid with dissimilar properties. This amino acid position is well conserved in available vertebrate species. In addition, the in silico prediction for this alteration is inconclusive. Since supporting evidence is limited at this time, the clinical significance of this alteration remains unclear.

NM_004329.3(BMPR1A):c.1595T>A (p.Ile532Asn)

Gene: BMPR1A (bone morphogenetic protein receptor type 1A; plus strand). Cytogenetic location: 10q23.2.
Variant type: single nucleotide variant.
Coding change: c.1595T>A on transcript NM_004329.3 (MANE Select); coding-DNA position 1595, T replaced by A.
Protein change: p.Ile532Asn; replaces isoleucine 532 with asparagine.
Molecular consequence: missense variant. On other transcripts: non-coding transcript variant (3).
Genome position (GRCh38, 1-based): chr10:86,923,715, T>A. VCF-style: chr10-86923715-T-A. GRCh37 (hg19) VCF-style: chr10-88683472-T-A.
Other names: c.1670T>A, p.Ile557Asn (NM_001406559.1); c.1643T>A, p.Ile548Asn (NM_001406560.1); c.1595T>A, p.Ile532Asn (NM_001406561.1, NM_001406562.1, NM_001406563.1 and 19 more transcripts); c.1589T>A, p.Ile530Asn (NM_001406583.1); c.1511T>A, p.Ile504Asn (NM_001406584.1, NM_001406585.1, NM_001406586.1 and 2 more transcripts); c.1253T>A, p.Ile418Asn (NM_001406589.1); short protein forms I418N, I504N, I530N, I532N, I548N, I557N.
Identifiers: ClinVar variation 3223949 (VCV003223949.1), dbSNP rs2133626158, ClinGen allele CA377464089.
Genomic context (GRCh38, chr10:86,923,715, plus strand): 5'-TCACAGCATTGAGAATTAAGAAGACGCTTGCCAAGATGGTTGAATCCCAAGATGTAAAAA[T>A]CTGATGGTTAAACCATCGGAGGAGAAACTCTAGACTGCAAGAACTGTTTTTACCCATGGC-3'
Protein context (NP_004320.2, residues 522-532): AKMVESQDVK[Ile532Asn]